The following is an entry in ClinVar:

NM_024496.4(IRF2BPL):c.1862C>T (p.Pro621Leu)

Gene: IRF2BPL (interferon regulatory factor 2 binding protein like; minus strand). Cytogenetic location: 14q24.3.
Variant type: single nucleotide variant.
Coding change: c.1862C>T on transcript NM_024496.4 (MANE Select); coding-DNA position 1862, C replaced by T.
Protein change: p.Pro621Leu; replaces proline 621 with leucine.
Molecular consequence: missense variant.
Genome position (GRCh38, 1-based): chr14:77,025,931, G>A on the plus strand (C>T on the coding strand, the complement: IRF2BPL is on the minus strand). VCF-style: chr14-77025931-G-A. GRCh37 (hg19) VCF-style: chr14-77492274-G-A.
Other names: short protein forms P621L.
Identifiers: ClinVar variation 2628446 (VCV002628446.1), dbSNP rs2503074857, ClinGen allele CA390489645.

ClinVar aggregate classification (germline): Uncertain significance (1 of 4 stars; one submission).

Conditions:
IRF2BPL-related disorder. Also called: IRF2BPL-related condition. Identifiers: MedGen CN381093.

Submission:

PreventionGenetics, part of Exact Sciences
Classification: Uncertain significance for IRF2BPL-related condition. Last evaluated: 2022-09-22. Review status: criteria provided, single submitter. Criteria: ACMG Guidelines, 2015. Collection method: clinical testing. Allele origin: germline.
Comment: The IRF2BPL c.1862C>T variant is predicted to result in the amino acid substitution p.Pro621Leu. To our knowledge, this variant has not been reported in the literature or in a large population database, indicating this variant is rare. At this time, the clinical significance of this variant is uncertain due to the absence of conclusive functional and genetic evidence.